The following is an entry in ClinVar:

ClinVar aggregate classification (germline): Uncertain significance (1 of 4 stars; one submission).

Conditions:
Cardiovascular phenotype. Identifiers: MedGen CN230736.
Hereditary cancer-predisposing syndrome. Also called: Tumor predisposition; Neoplastic Syndromes, Hereditary; Hereditary neoplastic syndrome; Hereditary Cancer Syndrome. Identifiers: Orphanet 140162, MedGen C0027672, MeSH D009386, MONDO:0015356.

gnomAD v4.1: 1 of 1,613,934 alleles (0.000062%); highest among the groups gnomAD compares: Non-Finnish European, 0.000085%; no homozygotes.

Submission:

Ambry Genetics
Classification: Uncertain significance for Cardiovascular phenotype; Hereditary cancer-predisposing syndrome. Last evaluated: 2025-08-12. Review status: criteria provided, single submitter. Criteria: Ambry Variant Classification Scheme 2023. Collection method: clinical testing. Allele origin: germline.
Comment: The p.G84A variant (also known as c.251G>C), located in coding exon 2 of the LZTR1 gene, results from a G to C substitution at nucleotide position 251. The glycine at codon 84 is replaced by alanine, an amino acid with similar properties. This amino acid position is conserved. In addition, this alteration is predicted to be deleterious by in silico analysis. Based on the available evidence, the clinical significance of this variant remains unclear.

NM_006767.4(LZTR1):c.251G>C (p.Gly84Ala)

Gene: LZTR1 (leucine zipper like post translational regulator 1; plus strand). Cytogenetic location: 22q11.21.
Variant type: single nucleotide variant.
Coding change: c.251G>C on transcript NM_006767.4 (MANE Select); coding-DNA position 251, G replaced by C.
Protein change: p.Gly84Ala; replaces glycine 84 with alanine.
Molecular consequence: missense variant.
Genome position (GRCh38, 1-based): chr22:20,983,077, G>C. VCF-style: chr22-20983077-G-C. GRCh37 (hg19) VCF-style: chr22-21337366-G-C.
Other names: short protein forms G84A.
Identifiers: ClinVar variation 4101920 (VCV004101920.1).